The following is an entry in ClinVar:

ClinVar aggregate classification (germline): Likely benign. Review status: criteria provided, single submitter (1 of 4 stars). 2 submissions from 2 submitters: Likely benign (1). 1 of the submissions does not count toward it. Last evaluated 2025-10-14.

Conditions:
PCSK1-related disorder. Also called: PCSK1-related condition.

Allele frequency attached by ClinVar (database versions not stated): TOPMed 0.00001.
gnomAD v4.1: 17 of 1,614,034 alleles (0.0011%); highest among the groups gnomAD compares: Admixed American, 0.005%; no homozygotes.

Submissions (2):

Labcorp Genetics (formerly Invitae), Labcorp
Classification: Likely benign. Last evaluated: 2025-10-14. Review status: criteria provided, single submitter. Criteria: Invitae Variant Classification Sherloc (09022015). Collection method: clinical testing. Allele origin: germline.

PreventionGenetics, part of Exact Sciences
Classification: Likely benign for PCSK1-related condition. Last evaluated: 2020-07-29. Review status: no assertion criteria provided. Collection method: clinical testing. Allele origin: germline. Not counted in ClinVar's aggregate classification.
Comment: This variant is classified as likely benign based on ACMG/AMP sequence variant interpretation guidelines (Richards et al. 2015 PMID: 25741868, with internal and published modifications).

NM_000439.5(PCSK1):c.1380C>T (p.Ser460=)

Genes: CAST (calpastatin; plus strand), PCSK1 (proprotein convertase subtilisin/kexin type 1; minus strand), LOC101929710 (uncharacterized LOC101929710; plus strand). Cytogenetic location: 5q15.
Variant type: single nucleotide variant.
Coding change: c.1380C>T on transcript NM_000439.5 (MANE Select); coding-DNA position 1380, C replaced by T.
Protein change: p.Ser460=; no amino-acid change (serine 460 retained).
Molecular consequence: synonymous variant. On other transcripts: intron variant (11).
Genome position (GRCh38, 1-based): chr5:96,400,003, G>A on the plus strand (C>T on the coding strand, the complement: PCSK1 is on the minus strand). VCF-style: chr5-96400003-G-A. GRCh37 (hg19) VCF-style: chr5-95735707-G-A.
Other names: c.-175+20351G>A (NM_001423255.1, NM_001423250.1, NM_001423251.1 and 6 more transcripts); c.-40+20351G>A (NM_001423258.1); c.1239C>T, p.Ser413= (NM_001177875.2); c.-103+20351G>A (NM_001423253.1).
Identifiers: ClinVar variation 3035997 (VCV003035997.2), dbSNP rs964811680, ClinGen allele CA122905216.
Genomic context (GRCh38, chr5:96,400,003, plus strand): 5'-AGATACTTACCTGGGCTCAAAGTCATTGTCCTTTACAACACACTCTTTCTTCTCAGGCAC[G>A]CTCCTCCAGGTCCTGGGGTCAGCTAAATCCACCAGAGCTTTGGCATTTAGCAAGCCAAAT-3'
Protein context (NP_000430.3, residues 450-470): VDLADPRTWR[Ser460=]VPEKKECVVK